The following is an entry in ClinVar:

ClinVar aggregate classification (germline): Uncertain significance (1 of 4 stars; one submission).

gnomAD v4.1: 16 of 1,560,086 alleles (0.001%); highest among the groups gnomAD compares: East Asian, 0.017%; no homozygotes.

Submission:

GeneDx
Classification: Uncertain significance. Last evaluated: 2025-03-07. Review status: criteria provided, single submitter. Criteria: GeneDx Variant Classification Process June 2021. Collection method: clinical testing. Allele origin: germline. Affected: yes.
Comment: In silico analysis indicates that this missense variant does not alter protein structure/function; Has not been previously published as pathogenic or benign to our knowledge; Reported using an alternate transcript of the gene

NM_000414.4(HSD17B4):c.58+143A>G

Gene: HSD17B4 (hydroxysteroid 17-beta dehydrogenase 4; plus strand). Cytogenetic location: 5q23.1.
Variant type: single nucleotide variant.
Coding change: c.58+143A>G on transcript NM_000414.4 (MANE Select); 143 bases into the intron after coding-DNA position 58, A replaced by G.
Molecular consequence: intron variant. On other transcripts: missense variant (1), 5 prime UTR variant (6), non-coding transcript variant (1).
Genome position (GRCh38, 1-based): chr5:119,452,776, A>G. VCF-style: chr5-119452776-A-G. GRCh37 (hg19) VCF-style: chr5-118788471-A-G.
Other names: c.23A>G, p.His8Arg (NM_001199291.3); c.-399A>G (NM_001292028.2, NM_001374501.1); c.-333A>G (NM_001374499.1); c.-526A>G (NM_001374500.1); c.-404A>G (NM_001374502.1); c.-469A>G (NM_001374503.1); c.-80+143A>G (NM_001292027.2); c.58+143A>G (NM_001374498.1, NM_001374497.1, NM_001199292.2); short protein forms H8R.
Identifiers: ClinVar variation 4082780 (VCV004082780.1).